The following is an entry in ClinVar:

NM_002838.5(PTPRC):c.2339T>C (p.Val780Ala)

Gene: PTPRC (protein tyrosine phosphatase receptor type C; plus strand). Cytogenetic location: 1q32.1.
Variant type: single nucleotide variant.
Coding change: c.2339T>C on transcript NM_002838.5 (MANE Select); coding-DNA position 2339, T replaced by C.
Protein change: p.Val780Ala; replaces valine 780 with alanine.
Molecular consequence: missense variant.
Genome position (GRCh38, 1-based): chr1:198,735,188, T>C. VCF-style: chr1-198735188-T-C. GRCh37 (hg19) VCF-style: chr1-198704317-T-C.
Other names: c.1856T>C, p.Val619Ala (NM_080921.4); short protein forms V619A, V780A.
Identifiers: ClinVar variation 1401057 (VCV001401057.8), dbSNP rs2102493243, ClinGen allele CA344048832.

ClinVar aggregate classification (germline): Uncertain significance (1 of 4 stars; one submission).

Conditions:
Immunodeficiency 104. Also called: SCID, AUTOSOMAL RECESSIVE, T CELL-NEGATIVE, B CELL-POSITIVE, NK CELL-POSITIVE; Severe combined immunodeficiency, autosomal recessive, T cell-negative, B cell-positive, NK cell-positive; IMMUNODEFICIENCY 104, SEVERE COMBINED; Severe Combined Immune Deficiency, Autosomal Recessive, TCell -Negative, B Cell-Positive, NK Cell-Positive, IL7R-Related. Identifiers: MedGen C5676890, MONDO:0012163, OMIM 608971.

Submission:

Labcorp Genetics (formerly Invitae), Labcorp
Classification: Uncertain significance for Immunodeficiency 104. Last evaluated: 2021-06-15. Review status: criteria provided, single submitter. Criteria: Invitae Variant Classification Sherloc (09022015). Collection method: clinical testing. Allele origin: germline.
Comment: In summary, the available evidence is currently insufficient to determine the role of this variant in disease. Therefore, it has been classified as a Variant of Uncertain Significance. Algorithms developed to predict the effect of missense changes on protein structure and function are either unavailable or do not agree on the potential impact of this missense change (SIFT: "Deleterious"; PolyPhen-2: "Benign"; Align-GVGD: "Class C25"). This variant has not been reported in the literature in individuals with PTPRC-related conditions. This variant is not present in population databases (ExAC no frequency). This sequence change replaces valine with alanine at codon 780 of the PTPRC protein (p.Val780Ala). The valine residue is moderately conserved and there is a small physicochemical difference between valine and alanine.